The following is an entry in ClinVar:

ClinVar aggregate classification (germline): Conflicting classifications of pathogenicity. Review status: criteria provided, conflicting classifications (1 of 4 stars). 3 submissions from 3 submitters: Likely pathogenic (2); Uncertain significance (1). Last evaluated 2026-09-08.

Conditions:
Fabry disease. Also called: Ceramide trihexosidosis; Fabry's disease; HEREDITARY DYSTOPIC LIPIDOSIS; Angiokeratoma corporis diffusum; ALPHA-GALACTOSIDASE A DEFICIENCY; ANDERSON-FABRY DISEASE. Identifiers: Orphanet 324, MedGen C0002986, MONDO:0010526, OMIM 301500, HP:0001071. Disease mechanism: Fabry disease is due to inactivating mutations in the X-linked GLA gene resulting in deficiency of the enzyme Alpha Galactosidase-A., loss of function.

Submissions (3):

Genomenon, Inc
Classification: Likely pathogenic for Fabry disease. Last evaluated: 2026-09-08. Review status: criteria provided, single submitter. Criteria: Genomenon Sequence Variant Interpretation Standards - Updated. Collection method: curation. Allele origin: germline. Affected: no.
Comment: GLA p.Pro40Arg (c.119C>G) is a missense variant that changes the amino acid at codon 40 from Proline to Arginine. To our knowledge, this variant has not been reported in patients affected with Fabry disease in the published literature. At least one functional study has demonstrated a substantial alteration in protein function relative to the wild-type (PMID:27657681). This variant is located in a mutational hotspot and/or important functional domain. It is absent or not present at a significant frequency in gnomAD. In silico models predict that this variant is possibly or probably damaging. In conclusion, we classify GLA p.Pro40Arg (c.119C>G) as a likely pathogenic variant.

All of Us Research Program, National Institutes of Health
Classification: Uncertain significance for Fabry disease. Last evaluated: 2024-01-11. Review status: criteria provided, single submitter. Criteria: ACMG Guidelines, 2015. Collection method: clinical testing. Allele origin: germline. Inheritance: X-linked inheritance. Observed: 1 variant allele, 1 heterozygote.
Comment: This study involves interpretation of variants in research participants for the purpose of population health screening. Participant phenotype was not available at the time of variant classification. Additional details can be found in publication PMID: 35346344, PMCID: PMC8962531

Eurofins Ntd Llc (ga)
Classification: Likely pathogenic. Last evaluated: 2012-12-27. Review status: criteria provided, single submitter. Criteria: EGL Classification Definitions 2015. Collection method: clinical testing. Allele origin: germline. Observed: 2 variant alleles, 2 heterozygotes.

Literature cited by the submitters: PubMed 27657681 (cited by Genomenon, Inc).

NM_000169.3(GLA):c.119C>G (p.Pro40Arg)

Genes: RPL36A-HNRNPH2 (RPL36A-HNRNPH2 readthrough; plus strand), GLA (galactosidase alpha; minus strand). Cytogenetic location: Xq22.1.
Variant type: single nucleotide variant.
Coding change: c.119C>G on transcript NM_000169.3 (MANE Select); coding-DNA position 119, C replaced by G.
Protein change: p.Pro40Arg; replaces proline 40 with arginine.
Molecular consequence: missense variant. On other transcripts: non-coding transcript variant (3), intron variant (2).
Genome position (GRCh38, 1-based): chrX:101,407,785, G>C on the plus strand (C>G on the coding strand, the complement: GLA is on the minus strand). VCF-style: chrX-101407785-G-C. GRCh37 (hg19) VCF-style: chrX-100662773-G-C.
Other names: c.119C>G, p.Pro40Arg (NM_001406747.1, NM_001406748.1, NM_001406749.1); c.301-4151G>C (NM_001199973.2); c.178-4151G>C (NM_001199974.2).
Identifiers: ClinVar variation 92539 (VCV000092539.8), dbSNP rs398123199, ClinGen allele CA021455.
Genomic context (GRCh38, chrX:101,407,785, plus strand): 5'-GGCTCTTCCTGGCAGTCAAGGTTGCACATGAAGCGCTCCCAGTGCAGCCAGCCCATGGTA[G>C]GCGTCCTTGCCAATCCATTGTCCAGTGCTCTAGCCCCAGGGATGTCCCAGGAAACGAGGG-3'
Protein context (NP_000160.1, residues 30-50): RALDNGLART[Pro40Arg]TMGWLHWERF